The following is an entry in ClinVar:

NM_000329.3(RPE65):c.853A>T (p.Met285Leu)

Gene: RPE65 (retinoid isomerohydrolase RPE65; minus strand). Cytogenetic location: 1p31.3.
Variant type: single nucleotide variant.
Coding change: c.853A>T on transcript NM_000329.3 (MANE Select); coding-DNA position 853, A replaced by T.
Protein change: p.Met285Leu; replaces methionine 285 with leucine.
Molecular consequence: missense variant.
Genome position (GRCh38, 1-based): chr1:68,439,196, T>A on the plus strand (A>T on the coding strand, the complement: RPE65 is on the minus strand). VCF-style: chr1-68439196-T-A. GRCh37 (hg19) VCF-style: chr1-68904879-T-A.
Other names: c.745A>T, p.Met249Leu (NM_001406853.1); c.577A>T, p.Met193Leu (NM_001406856.1, NM_001406857.1); c.853A>T, p.Met285Leu (NM_001406859.1); short protein forms M249L, M285L, M193L.
Identifiers: ClinVar variation 2950036 (VCV002950036.3), dbSNP rs2523426187, ClinGen allele CA340745400.

ClinVar aggregate classification (germline): Uncertain significance (1 of 4 stars; one submission).

Conditions:
Leber congenital amaurosis 2 (LCA2). Also called: AMAUROSIS CONGENITA OF LEBER II; Autosomal Recessive RPE65-Related Retinal Degeneration. Identifiers: Orphanet 65, MedGen C1859844, MONDO:0008765, OMIM 204100. Disease mechanism: loss of function.
Retinitis pigmentosa 20 (RP20). Identifiers: Orphanet 791, MedGen C3151086, MONDO:0013425, OMIM 613794.

gnomAD v4.1: 1 of 1,614,074 alleles (0.000062%); highest among the groups gnomAD compares: South Asian, 0.0011%; no homozygotes.

Submission:

Labcorp Genetics (formerly Invitae), Labcorp
Classification: Uncertain significance for Leber congenital amaurosis 2; Retinitis pigmentosa 20. Last evaluated: 2023-08-14. Review status: criteria provided, single submitter. Criteria: Invitae Variant Classification Sherloc (09022015). Collection method: clinical testing. Allele origin: germline.
Comment: This sequence change replaces methionine, which is neutral and non-polar, with leucine, which is neutral and non-polar, at codon 285 of the RPE65 protein (p.Met285Leu). This variant is not present in population databases (gnomAD no frequency). This variant has not been reported in the literature in individuals affected with RPE65-related conditions. Advanced modeling of protein sequence and biophysical properties (such as structural, functional, and spatial information, amino acid conservation, physicochemical variation, residue mobility, and thermodynamic stability) performed at Invitae indicates that this missense variant is not expected to disrupt RPE65 protein function. In summary, the available evidence is currently insufficient to determine the role of this variant in disease. Therefore, it has been classified as a Variant of Uncertain Significance.